The following is an entry in ClinVar:

ClinVar aggregate classification (germline): Uncertain significance (1 of 4 stars; one submission).

Conditions:
Hereditary cancer-predisposing syndrome. Also called: Tumor predisposition; Hereditary Cancer Syndrome; Hereditary neoplastic syndrome; Neoplastic Syndromes, Hereditary. Identifiers: Orphanet 140162, MedGen C0027672, MeSH D009386, MONDO:0015356.

Submission:

Ambry Genetics
Classification: Uncertain significance for Hereditary cancer-predisposing syndrome. Last evaluated: 2023-09-01. Review status: criteria provided, single submitter. Criteria: Ambry Variant Classification Scheme 2023. Collection method: clinical testing. Allele origin: germline.
Comment: The p.K923N variant (also known as c.2769G>C), located in coding exon 4 of the MSH6 gene, results from a G to C substitution at nucleotide position 2769. The lysine at codon 923 is replaced by asparagine, an amino acid with similar properties. This amino acid position is conserved. In addition, this alteration is predicted to be tolerated by in silico analysis. Since supporting evidence is limited at this time, the clinical significance of this alteration remains unclear.

NM_000179.3(MSH6):c.2769G>C (p.Lys923Asn)

Gene: MSH6 (mutS homolog 6; plus strand). Cytogenetic location: 2p16.3.
Variant type: single nucleotide variant.
Coding change: c.2769G>C on transcript NM_000179.3 (MANE Select); coding-DNA position 2769, G replaced by C.
Protein change: p.Lys923Asn; replaces lysine 923 with asparagine.
Molecular consequence: missense variant. On other transcripts: non-coding transcript variant (5), intron variant (2).
Genome position (GRCh38, 1-based): chr2:47,800,752, G>C. VCF-style: chr2-47800752-G-C. GRCh37 (hg19) VCF-style: chr2-48027891-G-C.
Other names: c.2379G>C, p.Lys793Asn (NM_001281492.2); c.1863G>C, p.Lys621Asn (NM_001281493.2, NM_001281494.2, NM_001406811.1 and 6 more transcripts); c.2865G>C, p.Lys955Asn (NM_001406795.1, NM_001406802.1); c.2769G>C, p.Lys923Asn (NM_001406796.1, NM_001406798.1, NM_001406800.1 and 2 more transcripts); c.2472G>C, p.Lys824Asn (NM_001406797.1, NM_001406801.1, NM_001406805.1 and 10 more transcripts); c.2244G>C, p.Lys748Asn (NM_001406799.1, NM_001406806.1, NM_001406807.1); c.2691G>C, p.Lys897Asn (NM_001406804.1); c.2775G>C, p.Lys925Asn (NM_001406813.1); and 4 more; short protein forms K748N, K897N, K824N, K867N, K923N, K621N, K955N, K238N.
Identifiers: ClinVar variation 2587359 (VCV002587359.2), dbSNP rs1572728618, ClinGen allele CA346755456.
Genomic context (GRCh38, chr2:47,800,752, plus strand): 5'-TGATTTGACTGTAGAATTGAACCGATGGGATACAGCCTTTGACCATGAAAAGGCTCGAAA[G>C]ACTGGACTTATTACTCCCAAAGCAGGCTTTGACTCTGATTATGACCAAGCTCTTGCTGAC-3'
Protein context (NP_000170.1, residues 913-933): DTAFDHEKAR[Lys923Asn]TGLITPKAGF